The following is an entry in ClinVar:

NM_000594.4(TNF):c.17T>A (p.Met6Lys)

Gene: TNF (tumor necrosis factor; plus strand). Cytogenetic location: 6p21.33.
Variant type: single nucleotide variant.
Coding change: c.17T>A on transcript NM_000594.4 (MANE Select); coding-DNA position 17, T replaced by A.
Protein change: p.Met6Lys; replaces methionine 6 with lysine.
Molecular consequence: missense variant.
Genome position (GRCh38, 1-based): chr6:31,575,758, T>A. VCF-style: chr6-31575758-T-A. GRCh37 (hg19) VCF-style: chr6-31543535-T-A.
Other names: short protein forms M6K.
Identifiers: ClinVar variation 1697317 (VCV001697317.1), dbSNP rs2150388461, ClinGen allele CA363342812.

ClinVar aggregate classification (germline): Uncertain significance (1 of 4 stars; one submission).

Conditions:
Migraine with or without aura, susceptibility to, 1. Identifiers: MedGen C3887485, MONDO:0008000, OMIM 157300.

gnomAD v4.1: 1 of 1,598,938 alleles (0.000063%); highest among the groups gnomAD compares: Non-Finnish European, 0.000085%; no homozygotes.

Submission:

Institute of Human Genetics, University of Leipzig Medical Center
Classification: Uncertain significance for Migraine with or without aura, susceptibility to, 1. Last evaluated: 2022-07-19. Review status: criteria provided, single submitter. Criteria: ACMG Guidelines, 2015. Collection method: clinical testing. Allele origin: unknown. Affected: yes.
Comment: _x000D_ Criteria applied: PM2_SUP, PP3